The following is an entry in ClinVar:

ClinVar aggregate classification (germline): Conflicting classifications of pathogenicity. Review status: criteria provided, conflicting classifications (1 of 4 stars). 4 submissions from 4 submitters: Uncertain significance (1); Likely benign (2). 1 of the submissions does not count toward it. Last evaluated 2026-09-01.

Conditions:
UNC45B-related disorder. Also called: UNC45B-related condition.

Allele frequency attached by ClinVar (database versions not stated): 1000 Genomes Project 30x 0.00016; 1000 Genomes Project 0.00020; ExAC 0.00097; TOPMed 0.00105; gnomAD 0.00117; gnomAD exomes 0.00183; ESP Exome Variant Server 0.00185.

Submissions (4):

CeGaT Center for Human Genetics Tuebingen
Classification: Likely benign. Last evaluated: 2026-09-01. Review status: criteria provided, single submitter. Criteria: CeGaT Center For Human Genetics Tuebingen Variant Classification Criteria Version 2. Collection method: clinical testing. Allele origin: germline. Affected: yes. Observed: 3 variant alleles.
Comment: UNC45B: BS1

Labcorp Genetics (formerly Invitae), Labcorp
Classification: Likely benign. Last evaluated: 2026-01-14. Review status: criteria provided, single submitter. Criteria: Invitae Variant Classification Sherloc (09022015). Collection method: clinical testing. Allele origin: germline.

GeneDx
Classification: Uncertain significance. Last evaluated: 2025-02-19. Review status: criteria provided, single submitter. Criteria: GeneDx Variant Classification Process June 2021. Collection method: clinical testing. Allele origin: germline. Affected: yes.
Comment: In silico analysis supports that this missense variant has a deleterious effect on protein structure/function; Has not been previously published as pathogenic or benign to our knowledge

PreventionGenetics, part of Exact Sciences
Classification: Likely benign for UNC45B-related condition. Last evaluated: 2024-02-12. Review status: no assertion criteria provided. Collection method: clinical testing. Allele origin: germline. Not counted in ClinVar's aggregate classification.
Comment: This variant is classified as likely benign based on ACMG/AMP sequence variant interpretation guidelines (Richards et al. 2015 PMID: 25741868, with internal and published modifications).

NM_001267052.2(UNC45B):c.1637A>T (p.Asp546Val)

Gene: UNC45B (unc-45 myosin chaperone B; plus strand). Cytogenetic location: 17q12.
Variant type: single nucleotide variant.
Coding change: c.1637A>T on transcript NM_001267052.2 (MANE Select); coding-DNA position 1637, A replaced by T.
Protein change: p.Asp546Val; replaces aspartic acid 546 with valine.
Molecular consequence: missense variant. On other transcripts: intron variant (1).
Genome position (GRCh38, 1-based): chr17:35,170,203, A>T. VCF-style: chr17-35170203-A-T. GRCh37 (hg19) VCF-style: chr17-33497222-A-T.
Other names: c.1637A>T (NM_173167.2); c.1637A>T, p.Asp546Val (NM_001033576.2, NM_173167.3); c.1453-1119A>T (NM_001308281.1); short protein forms D546V.
Identifiers: ClinVar variation 3040064 (VCV003040064.8), dbSNP rs142883160, ClinGen allele CA8501211.